The following is an entry in ClinVar:

ClinVar aggregate classification (germline): Uncertain significance (1 of 4 stars; one submission).

gnomAD v4.1: 1 of 1,614,022 alleles (0.000062%); highest among the groups gnomAD compares: South Asian, 0.0011%; no homozygotes.

Submission:

Labcorp Genetics (formerly Invitae), Labcorp
Classification: Uncertain significance. Last evaluated: 2025-12-17. Review status: criteria provided, single submitter. Criteria: Invitae Variant Classification Sherloc (09022015). Collection method: clinical testing. Allele origin: germline.
Comment: This sequence change replaces tyrosine, which is neutral and polar, with histidine, which is basic and polar, at codon 22 of the STAT4 protein (p.Tyr22His). This variant is not present in population databases (gnomAD no frequency). This variant has not been reported in the literature in individuals affected with STAT4-related conditions. Invitae Evidence Modeling of protein sequence and biophysical properties (such as structural, functional, and spatial information, amino acid conservation, physicochemical variation, residue mobility, and thermodynamic stability) indicates that this missense variant is expected to disrupt STAT4 protein function with a positive predictive value of 80%. In summary, the available evidence is currently insufficient to determine the role of this variant in disease. Therefore, it has been classified as a Variant of Uncertain Significance.

NM_003151.4(STAT4):c.64T>C (p.Tyr22His)

Gene: STAT4 (signal transducer and activator of transcription 4; minus strand). Cytogenetic location: 2q32.3.
Variant type: single nucleotide variant.
Coding change: c.64T>C on transcript NM_003151.4 (MANE Select); coding-DNA position 64, T replaced by C.
Protein change: p.Tyr22His; replaces tyrosine 22 with histidine.
Molecular consequence: missense variant.
Genome position (GRCh38, 1-based): chr2:191,148,140, A>G on the plus strand (T>C on the coding strand, the complement: STAT4 is on the minus strand). VCF-style: chr2-191148140-A-G. GRCh37 (hg19) VCF-style: chr2-192012866-A-G.
Other names: c.64T>C, p.Tyr22His (NM_001243835.2); short protein forms Y22H.
Identifiers: ClinVar variation 4746436 (VCV004746436.1).